The following is an entry in ClinVar:

NM_002471.4(MYH6):c.3164G>A (p.Arg1055Gln)

Gene: MYH6 (myosin heavy chain 6; minus strand). Cytogenetic location: 14q11.2.
Variant type: single nucleotide variant.
Coding change: c.3164G>A on transcript NM_002471.4 (MANE Select); coding-DNA position 3164, G replaced by A.
Protein change: p.Arg1055Gln; replaces arginine 1055 with glutamine.
Molecular consequence: missense variant.
Genome position (GRCh38, 1-based): chr14:23,392,999, C>T on the plus strand (G>A on the coding strand, the complement: MYH6 is on the minus strand). VCF-style: chr14-23392999-C-T. GRCh37 (hg19) VCF-style: chr14-23862208-C-T.
Other names: short protein forms R1055Q.
Identifiers: ClinVar variation 312866 (VCV000312866.16), dbSNP rs540893860, ClinGen allele CA7115287.

ClinVar aggregate classification (germline): Conflicting classifications of pathogenicity. Review status: criteria provided, conflicting classifications (1 of 4 stars). 5 submissions from 5 submitters: Uncertain significance (2); Likely benign (2). 1 of the submissions does not count toward it. Last evaluated 2025-12-30.

Conditions:
Cardiovascular phenotype. Identifiers: MedGen CN230736.
Hypertrophic cardiomyopathy 14. Identifiers: MedGen C2750467, MONDO:0013197, OMIM 613251.
Atrial septal defect 3 (ASD3). Identifiers: Orphanet 1478, MedGen C3279790, MONDO:0013567, OMIM 614089.

Allele frequency attached by ClinVar (database versions not stated): 1000 Genomes Project 30x 0.00109; gnomAD below 0.00001 and 0.00006; gnomAD exomes 0.00012 and 0.00007; 1000 Genomes Project 0.00120; TOPMed below 0.00001; ExAC 0.00014.
gnomAD v4.1: 105 of 1,614,198 alleles (0.0065%); highest among the groups gnomAD compares: South Asian, 0.098%; no homozygotes.

Submissions (5):

Ambry Genetics
Classification: Uncertain significance for Cardiovascular phenotype. Last evaluated: 2025-12-30. Review status: criteria provided, single submitter. Criteria: Ambry Variant Classification Scheme 2023. Collection method: clinical testing. Allele origin: germline.
Comment: The p.R1055Q variant (also known as c.3164G>A), located in coding exon 22 of the MYH6 gene, results from a G to A substitution at nucleotide position 3164. The arginine at codon 1055 is replaced by glutamine, an amino acid with highly similar properties. This amino acid position is highly conserved in available vertebrate species. In addition, this alteration is predicted to be deleterious by in silico analysis. Based on the available evidence, the clinical significance of this variant remains unclear.

GeneDx
Classification: Uncertain significance. Last evaluated: 2025-09-10. Review status: criteria provided, single submitter. Criteria: GeneDx Variant Classification Process June 2021. Collection method: clinical testing. Allele origin: germline.
Comment: Identified in patients with HCM and LVNC in published literature; at least one patient harbored additional cardiogenetic variants (PMID: 23396983, 32764337); In silico analysis supports that this missense variant has a deleterious effect on protein structure/function; This variant is associated with the following publications: (PMID: 23396983, 32764337)

Women's Health and Genetics/Laboratory Corporation of America, LabCorp
Classification: Likely benign. Last evaluated: 2025-07-15. Review status: criteria provided, single submitter. Criteria: LabCorp Variant Classification Summary - May 2015. Collection method: clinical testing. Allele origin: germline.
Comment: Variant summary: MYH6 c.3164G>A (p.Arg1055Gln) results in a conservative amino acid change located in the Myosin tail domain (IPR002928) of the encoded protein sequence. Algorithms developed to predict the effect of missense changes on protein structure and function are either unavailable or do not agree on the potential impact of this missense change. The variant allele was found at a frequency of 0.00012 in 251494 control chromosomes. The observed variant frequency is approximately 4.93 fold of the estimated maximal expected allele frequency for a pathogenic variant in MYH6 causing Cardiomyopathy phenotype (2.5e-05). c.3164G>A has been reported in the literature in at-least one individual affected with Hypertrophic Cardiomyopathy (HCM) (example, Lopes_2013). These report(s) do not provide unequivocal conclusions about association of the variant with Cardiomyopathy. To our knowledge, no experimental evidence demonstrating an impact on protein function has been reported. The following publications have been ascertained in the context of this evaluation (PMID: 23396983, 32764337). ClinVar contains an entry for this variant (Variation ID: 312866). Based on the evidence outlined above, the variant was classified as likely benign.

Labcorp Genetics (formerly Invitae), Labcorp
Classification: Likely benign for Hypertrophic cardiomyopathy 14. Last evaluated: 2019-06-25. Review status: criteria provided, single submitter. Criteria: Invitae Variant Classification Sherloc (09022015). Collection method: clinical testing. Allele origin: germline.

Human Molecular Genetics Lab, National Institute for Biotechnology and Genetic Engineering College
Classification: Pathogenic for Atrial septal defect 3. Review status: no assertion criteria provided. Collection method: research. Allele origin: germline. Inheritance: Autosomal recessive inheritance. Affected: no and yes. Observed: 4 variant alleles, 2 heterozygotes, 2 homozygotes. Not counted in ClinVar's aggregate classification.
Comment: In silico functional analysis has shown that the MYH6:c.3164G>A variant disrupts the Myosin heavy chain 6 protein and is causing ASD in two affected individuals hence it is proved to be pathogenic.

Literature cited by the submitters: PubMed 23396983 (cited by Women's Health and Genetics/Laboratory Corporation of America, LabCorp); PubMed 32764337 (cited by Women's Health and Genetics/Laboratory Corporation of America, LabCorp); PubMed 34481090 (cited by Human Molecular Genetics Lab, National Institute for Biotechnology and Genetic Engineering College).